The following is an entry in ClinVar:

ClinVar aggregate classification (germline): Conflicting classifications of pathogenicity. Review status: criteria provided, conflicting classifications (1 of 4 stars). 3 submissions from 3 submitters: Uncertain significance (2); Benign (1). Last evaluated 2025-09-23.

Conditions:
Familial thoracic aortic aneurysm and aortic dissection (TAAD). Also called: Thoracic aortic aneurysms and dissections. Identifiers: Orphanet 91387, MedGen C4707243, MONDO:0019625.
FLNA-related disorder.
Oto-palato-digital syndrome, type II (OPD2). Also called: FACIOPALATOOSSEOUS SYNDROME; OPD II SYNDROME; Otopalatodigital Syndrome Type 2 (FLNA-OPD2); Otopalatodigital Syndrome, Type II. Identifiers: Orphanet 669, Orphanet 90652, MedGen C1844696, MONDO:0010571, OMIM 304120.
Heterotopia, periventricular, X-linked dominant (PVNH1). Also called: PERIVENTRICULAR NODULAR HETEROTOPIA 1; X-linked periventricular heterotopia; PERIVENTRICULAR NODULAR HETEROTOPIA 4; HETEROTOPIA, PERIVENTRICULAR, 1. Identifiers: Orphanet 2149, Orphanet 82004, MedGen C1848213, MONDO:0010233, OMIM 300049.
Melnick-Needles syndrome (MNS). Also called: MELNICK-NEEDLES OSTEODYSPLASTY; OSTEODYSPLASTY OF MELNICK AND NEEDLES; Melnick-Needles Syndrome (FLNA-MNS). Identifiers: Orphanet 2484, MedGen C0025237, MONDO:0010650, OMIM 309350.
Frontometaphyseal dysplasia (FMD1). Identifiers: Orphanet 1826, MedGen C0265293, MONDO:0015942.

Allele frequency attached by ClinVar (database versions not stated): TOPMed 0.00001.
gnomAD v4.1: 7 of 1,211,714 alleles (0.00058%); highest among the groups gnomAD compares: South Asian, 0.0018%; no homozygotes.

Submissions (3):

Labcorp Genetics (formerly Invitae), Labcorp
Classification: Benign for Oto-palato-digital syndrome, type II; Heterotopia, periventricular, X-linked dominant; Frontometaphyseal dysplasia; Melnick-Needles syndrome. Last evaluated: 2025-09-23. Review status: criteria provided, single submitter. Criteria: Invitae Variant Classification Sherloc (09022015). Collection method: clinical testing. Allele origin: germline.

Ambry Genetics
Classification: Uncertain significance for Familial thoracic aortic aneurysm and aortic dissection. Last evaluated: 2024-09-25. Review status: criteria provided, single submitter. Criteria: Ambry Variant Classification Scheme 2023. Collection method: clinical testing. Allele origin: germline.
Comment: The p.T555K variant (also known as c.1664C>A), located in coding exon 10 of the FLNA gene, results from a C to A substitution at nucleotide position 1664. The threonine at codon 555 is replaced by lysine, an amino acid with similar properties. Based on data from gnomAD, the A allele has an overall frequency of <0.01% (1/181657) total alleles studied, with 0 hemizygote(s) observed. The highest observed frequency was <0.01% (1/19069) of South Asian alleles. This amino acid position is highly conserved in available vertebrate species. In addition, this alteration is predicted to be deleterious by in silico analysis. Based on the available evidence, the clinical significance of this variant remains unclear.

PreventionGenetics, part of Exact Sciences
Classification: Uncertain significance for FLNA-related condition. Last evaluated: 2022-08-30. Review status: criteria provided, single submitter. Criteria: ACMG Guidelines, 2015. Collection method: clinical testing. Allele origin: germline.
Comment: The FLNA c.1664C>A variant is predicted to result in the amino acid substitution p.Thr555Lys. This variant was reported in an individual with otopalatodigital syndrome 2 (Robertson et al. 2003. PubMed ID: 12612583). This variant is reported in 0.0052% of alleles in individuals of South Asian descent in gnomAD. At this time, the clinical significance of this variant is uncertain due to the absence of conclusive functional and genetic evidence.

Literature cited by the submitters: PubMed 12612583 (cited by Ambry Genetics).

NM_001110556.2(FLNA):c.1664C>A (p.Thr555Lys)

Gene: FLNA (filamin A; minus strand). Cytogenetic location: Xq28.
Variant type: single nucleotide variant.
Coding change: c.1664C>A on transcript NM_001110556.2 (MANE Select); coding-DNA position 1664, C replaced by A.
Protein change: p.Thr555Lys; replaces threonine 555 with lysine.
Molecular consequence: missense variant.
Genome position (GRCh38, 1-based): chrX:154,365,163, G>T on the plus strand (C>A on the coding strand, the complement: FLNA is on the minus strand). VCF-style: chrX-154365163-G-T. GRCh37 (hg19) VCF-style: chrX-153593531-G-T.
Other names: c.1664C>A (NM_001456.3); c.1664C>A, p.Thr555Lys (NM_001456.4); short protein forms T555K.
Identifiers: ClinVar variation 2629451 (VCV002629451.4), dbSNP rs782611953, ClinGen allele CA10561126.